The following is an entry in ClinVar:

NM_007294.4(BRCA1):c.1340_1341del (p.Val447fs)

Gene: BRCA1 (BRCA1 DNA repair associated; minus strand). Cytogenetic location: 17q21.31.
Variant type: Deletion.
Coding change: c.1340_1341del on transcript NM_007294.4 (MANE Select); coding-DNA positions 1340 to 1341, 2 bases deleted (TT; older notation c.1340_1341delTT).
Protein change: p.Val447fs; shifts the reading frame from valine 447.
Molecular consequence: frameshift variant. On other transcripts: intron variant (137).
Genome position (GRCh38, 1-based): chr17:43,094,190-43,094,191, AA deleted on the plus strand (TT on the coding strand, the reverse complement: BRCA1 is on the minus strand). VCF-style (leftmost placement, unchanged base first): chr17-43094189-GAA-G. GRCh37 (hg19) VCF-style: chr17-41246206-GAA-G.
Other names: c.1337_1338del, p.Val446fs (NM_001407627.1, NM_001407628.1, NM_001407629.1 and 22 more transcripts); c.1331_1332del, p.Val444fs (NM_001407646.1, NM_001407647.1); c.1217_1218del, p.Val406fs (NM_001407648.1, NM_001407666.1, NM_001407667.1 and 19 more transcripts); c.1214_1215del, p.Val405fs (NM_001407649.1, NM_001407670.1, NM_001407671.1 and 11 more transcripts); c.1340_1341del, p.Val447fs (NM_001407652.1, NM_001407684.1, NM_001407854.1 and 30 more transcripts); c.1262_1263del, p.Val421fs (NM_001407653.1, NM_001407654.1, NM_001407655.1 and 4 more transcripts); c.1199_1200del, p.Val400fs (NM_001407728.1, NM_001407729.1, NM_001407730.1 and 29 more transcripts); c.1196_1197del, p.Val399fs (NM_001407746.1, NM_001407747.1, NM_001407748.1 and 20 more transcripts); and 40 more; short protein forms V400fs, V447fs, V319fs, V336fs, V421fs, V320fs, V406fs, V151fs.
Identifiers: ClinVar variation 182103 (VCV000182103.5), dbSNP rs730881458, ClinGen allele CA000876.

ClinVar aggregate classification (germline): Pathogenic. Review status: reviewed by expert panel (3 of 4 stars). 2 submissions from 2 submitters: Pathogenic (1). 1 of the submissions does not count toward it. Last evaluated 2016-09-08.

Conditions:
Breast-ovarian cancer, familial, susceptibility to, 1 (BROVCA1). Also called: OVARIAN CANCER, SUSCEPTIBILITY TO; BRCA1 Hereditary Breast and Ovarian Cancer. Identifiers: Orphanet 145, MedGen C2676676, MONDO:0011450, OMIM 604370. Disease mechanism: loss of function.

Submissions (2):

Evidence-based Network for the Interpretation of Germline Mutant Alleles (ENIGMA)
Classification: Pathogenic for Breast-ovarian cancer, familial, susceptibility to, 1. Last evaluated: 2016-09-08. Review status: reviewed by expert panel. Criteria: ENIGMA BRCA1/2 Classification Criteria (2015). Collection method: curation. Allele origin: germline.
Comment: Variant allele predicted to encode a truncated non-functional protein.

GeneDx
Classification: Pathogenic. Last evaluated: 2017-01-24. Review status: criteria provided, single submitter. Criteria: GeneDx Variant Classification (06012015). Collection method: clinical testing. Allele origin: germline. Affected: yes. Not counted in ClinVar's aggregate classification.
Comment: This deletion of 2 nucleotides is denoted BRCA1 c.1340_1341delTT at the cDNA level and p.Val447AlafsX8 (V447AfsX8) at the protein level. The normal sequence, with the bases that are deleted in brackets, is AGAG[delTT]CACT. The deletion causes a frameshift, which changes a Valine to an Alanine at codon 447, and creates a premature stop codon at position 8 of the new reading frame. This variant is predicted to cause loss of normal protein function through either protein truncation or nonsense-mediated mRNA decay. Also defined as BRCA1 c.1459delTT using alternate nomenclature, this variant has been observed in at least one individual with triple negative breast cancer (Wang 2015). We consider BRCA1 c.1430_1431delTT to be pathogenic.